The following is an entry in ClinVar:

NM_031308.4(EPPK1):c.615G>A (p.Thr205=)

Gene: EPPK1 (epiplakin 1; minus strand). Cytogenetic location: 8q24.3.
Variant type: single nucleotide variant.
Coding change: c.615G>A on transcript NM_031308.4 (MANE Select); coding-DNA position 615, G replaced by A.
Protein change: p.Thr205=; no amino-acid change (threonine 205 retained).
Molecular consequence: synonymous variant.
Genome position (GRCh38, 1-based): chr8:143,872,639, C>T on the plus strand (G>A on the coding strand, the complement: EPPK1 is on the minus strand). VCF-style: chr8-143872639-C-T. GRCh37 (hg19) VCF-style: chr8-144946807-C-T.
Identifiers: ClinVar variation 3036244 (VCV003036244.2), dbSNP rs369974387, ClinGen allele CA4923579.

ClinVar aggregate classification (germline): Likely benign (0 of 4 stars; one submission).

Conditions:
EPPK1-related disorder. Also called: EPPK1-related condition.

Allele frequency attached by ClinVar (database versions not stated): ESP Exome Variant Server 0.00031.
gnomAD v4.1: 102 of 1,609,734 alleles (0.0063%); highest among the groups gnomAD compares: African/African-American, 0.091%; no homozygotes.

Submission:

PreventionGenetics, part of Exact Sciences
Classification: Likely benign for EPPK1-related condition. Last evaluated: 2021-05-10. Review status: no assertion criteria provided. Collection method: clinical testing. Allele origin: germline.
Comment: This variant is classified as likely benign based on ACMG/AMP sequence variant interpretation guidelines (Richards et al. 2015 PMID: 25741868, with internal and published modifications).